The following is an entry in ClinVar:

ClinVar aggregate classification (germline): Uncertain significance (1 of 4 stars; one submission).

Conditions:
Severe combined immunodeficiency due to CORO1A deficiency. Also called: IMMUNODEFICIENCY 8 WITH LYMPHOPROLIFERATION; Immunodeficiency 8. Identifiers: Orphanet 228003, MedGen C3809383, MONDO:0014168, OMIM 615401.

Submission:

Labcorp Genetics (formerly Invitae), Labcorp
Classification: Uncertain significance for Severe combined immunodeficiency due to CORO1A deficiency. Last evaluated: 2025-07-31. Review status: criteria provided, single submitter. Criteria: Invitae Variant Classification Sherloc (09022015). Collection method: clinical testing. Allele origin: germline.
Comment: This sequence change replaces alanine, which is neutral and non-polar, with glutamic acid, which is acidic and polar, at codon 74 of the CORO1A protein (p.Ala74Glu). This variant is not present in population databases (gnomAD no frequency). This variant has not been reported in the literature in individuals affected with CORO1A-related conditions. Invitae Evidence Modeling of protein sequence and biophysical properties (such as structural, functional, and spatial information, amino acid conservation, physicochemical variation, residue mobility, and thermodynamic stability) indicates that this missense variant is not expected to disrupt CORO1A protein function with a negative predictive value of 80%. In summary, the available evidence is currently insufficient to determine the role of this variant in disease. Therefore, it has been classified as a Variant of Uncertain Significance.

NM_007074.4(CORO1A):c.221C>A (p.Ala74Glu)

Gene: CORO1A (coronin 1A; plus strand). Cytogenetic location: 16p11.2.
Variant type: single nucleotide variant.
Coding change: c.221C>A on transcript NM_007074.4 (MANE Select); coding-DNA position 221, C replaced by A.
Protein change: p.Ala74Glu; replaces alanine 74 with glutamic acid.
Molecular consequence: missense variant.
Genome position (GRCh38, 1-based): chr16:30,186,620, C>A. VCF-style: chr16-30186620-C-A. GRCh37 (hg19) VCF-style: chr16-30197941-C-A.
Other names: c.221C>A, p.Ala74Glu (NM_001193333.3); short protein forms A74E.
Identifiers: ClinVar variation 4742338 (VCV004742338.1).